The following is an entry in ClinVar:

ClinVar aggregate classification (germline): Uncertain significance. Review status: no assertion criteria provided (0 of 4 stars). 2 submissions from 1 submitter: Uncertain significance (1). 1 of the submissions does not count toward it. Last evaluated 2015-03-01.

Conditions:
Intellectual developmental disorder, X-linked 21. Also called: Mental retardation, X-linked 21/34; MENTAL RETARDATION, X-LINKED 34; Intellectual disability, X-linked 21. Identifiers: Orphanet 777, MedGen C5551510, MONDO:0010256, OMIM 300143.

Submissions (2):

Genetics Division, Universidade Federal de Sao Paulo
Classification: Uncertain significance. Last evaluated: 2015-03-01. Review status: no assertion criteria provided. Collection method: research. Allele origin: de novo. Inheritance: Autosomal unknown. Affected: yes. Observed: 1 heterozygote.

Genetics Division, Universidade Federal de Sao Paulo
Classification: Pathogenic for Intellectual developmental disorder, X-linked 21. Last evaluated: 2015-03-01. Review status: flagged submission. Collection method: research. Allele origin: de novo. Inheritance: X-linked inheritance. Affected: yes. Observed: 1 heterozygote. Not counted in ClinVar's aggregate classification.
ClinVar note: Reason: This record appears to be redundant with a more recent record from the same submitter.
ClinVar note: Notes: SCV000854423 appears to be redundant with SCV000854424.

t(X;19)(p21.2;q13.41)dn

Genes: IL1RAPL1 (interleukin 1 receptor accessory protein like 1; plus strand), ZNF611 (zinc finger protein 611; minus strand). Cytogenetic location: 19q13.41.
Variant type: Translocation.
Identifiers: ClinVar variation 592169 (VCV000592169.2).